The following is an entry in ClinVar:

ClinVar aggregate classification (germline): Uncertain significance. Review status: criteria provided, multiple submitters, no conflicts (2 of 4 stars). 2 submissions from 2 submitters: Uncertain significance (2). Last evaluated 2024-12-04.

Conditions:
Inborn genetic diseases. Identifiers: MedGen C0950123, MeSH D030342.

Allele frequency attached by ClinVar (database versions not stated): gnomAD 0.00001; TOPMed 0.00003; ExAC 0.00009; 1000 Genomes Project 30x 0.00031.
gnomAD v4.1: 27 of 1,599,744 alleles (0.0017%); highest among the groups gnomAD compares: Middle Eastern, 0.017%; no homozygotes.

Submissions (2):

Labcorp Genetics (formerly Invitae), Labcorp
Classification: Uncertain significance. Last evaluated: 2024-12-04. Review status: criteria provided, single submitter. Criteria: Invitae Variant Classification Sherloc (09022015). Collection method: clinical testing. Allele origin: germline.
Comment: This sequence change replaces aspartic acid, which is acidic and polar, with asparagine, which is neutral and polar, at codon 698 of the SLC26A1 protein (p.Asp698Asn). This variant is present in population databases (rs778948120, gnomAD 0.03%). This variant has not been reported in the literature in individuals affected with SLC26A1-related conditions. ClinVar contains an entry for this variant (Variation ID: 3163820). An algorithm developed to predict the effect of missense changes on protein structure and function outputs the following: PolyPhen-2: "Benign". The asparagine amino acid residue is found in multiple mammalian species, which suggests that this missense change does not adversely affect protein function. In summary, the available evidence is currently insufficient to determine the role of this variant in disease. Therefore, it has been classified as a Variant of Uncertain Significance.

Ambry Genetics
Classification: Uncertain significance for Inborn genetic diseases. Last evaluated: 2024-01-03. Review status: criteria provided, single submitter. Criteria: Ambry Variant Classification Scheme 2023. Collection method: clinical testing. Allele origin: germline.

NM_022042.4(SLC26A1):c.2092G>A (p.Asp698Asn)

Genes: IDUA (alpha-L-iduronidase; plus strand), SLC26A1 (solute carrier family 26 member 1; minus strand). Cytogenetic location: 4p16.3.
Variant type: single nucleotide variant.
Coding change: c.2092G>A on transcript NM_022042.4 (MANE Select); coding-DNA position 2092, G replaced by A.
Protein change: p.Asp698Asn; replaces aspartic acid 698 with asparagine.
Molecular consequence: missense variant. On other transcripts: intron variant (2).
Genome position (GRCh38, 1-based): chr4:988,847, C>T on the plus strand (G>A on the coding strand, the complement: SLC26A1 is on the minus strand). VCF-style: chr4-988847-C-T. GRCh37 (hg19) VCF-style: chr4-982635-C-T.
Other names: c.2092G>A, p.Asp698Asn (NM_213613.4); c.576+2281G>A (NM_134425.4); c.299+898C>T (NM_000203.5); short protein forms D698N.
Identifiers: ClinVar variation 3163820 (VCV003163820.3), dbSNP rs778948120, ClinGen allele CA2801178.